The following is an entry in ClinVar:

NM_000090.4(COL3A1):c.3712C>T (p.Leu1238Phe)

Gene: COL3A1 (collagen type III alpha 1 chain; plus strand). Cytogenetic location: 2q32.2.
Variant type: single nucleotide variant.
Coding change: c.3712C>T on transcript NM_000090.4 (MANE Select); coding-DNA position 3712, C replaced by T.
Protein change: p.Leu1238Phe; replaces leucine 1238 with phenylalanine.
Molecular consequence: missense variant.
Genome position (GRCh38, 1-based): chr2:189,009,110, C>T. VCF-style: chr2-189009110-C-T. GRCh37 (hg19) VCF-style: chr2-189873836-C-T.
Other names: c.3712C>T (NM_000090.3); short protein forms L1238F.
Identifiers: ClinVar variation 1464792 (VCV001464792.7), dbSNP rs1688662674, ClinGen allele CA349847296.
Genomic context (GRCh38, chr2:189,009,110, plus strand): 5'-CCGTATTATGGAGATGAACCAATGGATTTCAAAATCAACACCGATGAGATTATGACTTCA[C>T]TCAAGTCTGTTAATGGACAAATAGAAAGCCTCATTAGTCCTGATGGTTCTCGTAAAAACC-3'
Protein context (NP_000081.2, residues 1228-1248): KINTDEIMTS[Leu1238Phe]KSVNGQIESL

ClinVar aggregate classification (germline): Uncertain significance. Review status: criteria provided, multiple submitters, no conflicts (2 of 4 stars). 2 submissions from 2 submitters: Uncertain significance (2). Last evaluated 2024-09-24.

Conditions:
Ehlers-Danlos syndrome, type 4 (EDSVASC). Also called: Ehlers-Danlos syndrome vascular type; Ehlers Danlos syndrome, ecchymotic type; Ehlers Danlos syndrome, arterial type; Ehlers Danlos syndrome, Sack-Barabas type; Ehlers-Danlos Syndrome Type IV. Identifiers: Orphanet 286, MedGen C0268338, MONDO:0017314, OMIM 130050.

Allele frequency attached by ClinVar (database versions not stated): gnomAD 0.00001.
gnomAD v4.1: 1 of 1,614,086 alleles (0.000062%); highest among the groups gnomAD compares: Admixed American, 0.0017%; no homozygotes.

Submissions (2):

GeneDx
Classification: Uncertain significance. Last evaluated: 2024-09-24. Review status: criteria provided, single submitter. Criteria: GeneDx Variant Classification Process June 2021. Collection method: clinical testing. Allele origin: germline. Affected: yes.
Comment: Not observed at significant frequency in large population cohorts (gnomAD); In silico analysis supports that this missense variant has a deleterious effect on protein structure/function; Has not been previously published as pathogenic or benign to our knowledge; Not located in the triple helical region, where the majority of pathogenic missense variants occur (HGMD)

Labcorp Genetics (formerly Invitae), Labcorp
Classification: Uncertain significance for Ehlers-Danlos syndrome, type 4. Last evaluated: 2023-05-15. Review status: criteria provided, single submitter. Criteria: Invitae Variant Classification Sherloc (09022015). Collection method: clinical testing. Allele origin: germline.
Comment: In summary, the available evidence is currently insufficient to determine the role of this variant in disease. Therefore, it has been classified as a Variant of Uncertain Significance. Advanced modeling of protein sequence and biophysical properties (such as structural, functional, and spatial information, amino acid conservation, physicochemical variation, residue mobility, and thermodynamic stability) performed at Invitae indicates that this missense variant is not expected to disrupt COL3A1 protein function. ClinVar contains an entry for this variant (Variation ID: 1464792). This variant has not been reported in the literature in individuals affected with COL3A1-related conditions. This variant is not present in population databases (gnomAD no frequency). This sequence change replaces leucine, which is neutral and non-polar, with phenylalanine, which is neutral and non-polar, at codon 1238 of the COL3A1 protein (p.Leu1238Phe).